The following is an entry in ClinVar:

ClinVar aggregate classification (germline): Uncertain significance (1 of 4 stars; one submission).

Conditions:
Nephronophthisis-like nephropathy 1 (NPHPL1). Identifiers: Orphanet 655, MedGen C3150419, MONDO:0013163, OMIM 613159.

Submission:

Labcorp Genetics (formerly Invitae), Labcorp
Classification: Uncertain significance for Nephronophthisis-like nephropathy 1. Last evaluated: 2024-02-24. Review status: criteria provided, single submitter. Criteria: Invitae Variant Classification Sherloc (09022015). Collection method: clinical testing. Allele origin: germline.
Comment: This sequence change replaces leucine, which is neutral and non-polar, with histidine, which is basic and polar, at codon 396 of the XPNPEP3 protein (p.Leu396His). This variant is not present in population databases (gnomAD no frequency). This variant has not been reported in the literature in individuals affected with XPNPEP3-related conditions. ClinVar contains an entry for this variant (Variation ID: 2026232). An algorithm developed to predict the effect of missense changes on protein structure and function (PolyPhen-2) suggests that this variant is likely to be disruptive. In summary, the available evidence is currently insufficient to determine the role of this variant in disease. Therefore, it has been classified as a Variant of Uncertain Significance.

NM_022098.4(XPNPEP3):c.1187T>A (p.Leu396His)

Gene: XPNPEP3 (X-prolyl aminopeptidase 3; plus strand). Cytogenetic location: 22q13.2.
Variant type: single nucleotide variant.
Coding change: c.1187T>A on transcript NM_022098.4 (MANE Select); coding-DNA position 1187, T replaced by A.
Protein change: p.Leu396His; replaces leucine 396 with histidine.
Molecular consequence: missense variant.
Genome position (GRCh38, 1-based): chr22:40,922,464, T>A. VCF-style: chr22-40922464-T-A. GRCh37 (hg19) VCF-style: chr22-41318468-T-A.
Other names: short protein forms L396H.
Identifiers: ClinVar variation 2026232 (VCV002026232.4), dbSNP rs2517999035, ClinGen allele CA411975725.